The following is an entry in ClinVar:

NM_004525.3(LRP2):c.5055G>A (p.Trp1685Ter)

Gene: LRP2 (LDL receptor related protein 2; minus strand). Cytogenetic location: 2q31.1.
Variant type: single nucleotide variant.
Coding change: c.5055G>A on transcript NM_004525.3 (MANE Select); coding-DNA position 5055, G replaced by A.
Protein change: p.Trp1685Ter; replaces tryptophan 1685 with a stop codon.
Molecular consequence: nonsense.
Genome position (GRCh38, 1-based): chr2:169,233,454, C>T on the plus strand (G>A on the coding strand, the complement: LRP2 is on the minus strand). VCF-style: chr2-169233454-C-T. GRCh37 (hg19) VCF-style: chr2-170089964-C-T.
Other names: short protein forms W1685*.
Identifiers: ClinVar variation 5014388 (VCV005014388.1).

ClinVar aggregate classification (germline): Pathogenic (1 of 4 stars; one submission).

Conditions:
Donnai-Barrow syndrome. Also called: DBS/FOAR SYNDROME; FACIOOCULOACOUSTICORENAL SYNDROME. Identifiers: Orphanet 2143, MedGen C1857277, MONDO:0009104, OMIM 222448.

Submission:

Myriad Genetics, Inc.
Classification: Pathogenic for Donnai-Barrow syndrome. Last evaluated: 2025-05-05. Review status: criteria provided, single submitter. Criteria: Myriad Autosomal Dominant, Autosomal Recessive and X-Linked Classification Criteria (2023). Collection method: clinical testing. Allele origin: unknown.
Comment: NM_004525.2(LRP2):c.5055G>A(W1685*) is expected to be pathogenic in the context of Donnai-Barrow syndrome. This variant is predicted to lead to an abnormal or absent protein product due to the creation of a premature termination codon in LRP2, a gene where loss-of-function variants are known to be pathogenic. Please note: this variant was assessed in the context of healthy population screening.